The following is an entry in ClinVar:

NM_052947.4(ALPK2):c.1636C>T (p.Pro546Ser)

Gene: ALPK2 (alpha kinase 2; minus strand). Cytogenetic location: 18q21.31.
Variant type: single nucleotide variant.
Coding change: c.1636C>T on transcript NM_052947.4 (MANE Select); coding-DNA position 1636, C replaced by T.
Protein change: p.Pro546Ser; replaces proline 546 with serine.
Molecular consequence: missense variant.
Genome position (GRCh38, 1-based): chr18:58,579,140, G>A on the plus strand (C>T on the coding strand, the complement: ALPK2 is on the minus strand). VCF-style: chr18-58579140-G-A. GRCh37 (hg19) VCF-style: chr18-56246372-G-A.
Other names: short protein forms P546S.
Identifiers: ClinVar variation 1776936 (VCV001776936.2), dbSNP rs2518898744, ClinGen allele CA402561325.

ClinVar aggregate classification (germline): Uncertain significance (1 of 4 stars; one submission).

Allele frequency attached by ClinVar (database versions not stated): gnomAD exomes below 0.00001.
gnomAD v4.1: 1 of 1,614,136 alleles (0.000062%); highest among the groups gnomAD compares: Non-Finnish European, 0.000085%; no homozygotes.

Submission:

Ambry Genetics
Classification: Uncertain significance. Last evaluated: 2021-07-28. Review status: criteria provided, single submitter. Criteria: Ambry Variant Classification Scheme 2023. Collection method: clinical testing. Allele origin: germline.
Comment: The p.P546S variant (also known as c.1636C>T), located in coding exon 3 of the ALPK2 gene, results from a C to T substitution at nucleotide position 1636. The proline at codon 546 is replaced by serine, an amino acid with similar properties. This amino acid position is conserved. In addition, this alteration is predicted to be tolerated by in silico analysis. Since supporting evidence is limited at this time, the clinical significance of this alteration remains unclear.